The following is an entry in ClinVar:

NM_000053.4(ATP7B):c.-36C>T

Gene: ATP7B (ATPase copper transporting beta; minus strand). Cytogenetic location: 13q14.3.
Variant type: single nucleotide variant.
Coding change: c.-36C>T on transcript NM_000053.4 (MANE Select); 36 bases upstream of the start codon, C replaced by T.
Molecular consequence: 5 prime UTR variant.
Genome position (GRCh38, 1-based): chr13:52,011,373, G>A on the plus strand (C>T on the coding strand, the complement: ATP7B is on the minus strand). VCF-style: chr13-52011373-G-A. GRCh37 (hg19) VCF-style: chr13-52585509-G-A.
Other names: c.-36C>T (NM_001005918.3, NM_001243182.2, NM_001330578.2 and 30 more transcripts); c.-223C>T (NM_001406518.1); c.-165C>T (NM_001406539.1, NM_001406543.1).
Identifiers: ClinVar variation 3576337 (VCV003576337.2).
Genomic context (GRCh38, chr13:52,011,373, plus strand): 5'-TGATCTGTCTCTCCTGCTCAGGCATCGTCCCGCACGGACACCGAATTCTTCTCTGATCTG[G>A]CTCAGAGCAAAAGGTCACCTGGTCGGTGGAGGAGAGCGGGGTGTTAAAGTCCCGGGAGAG-3'

ClinVar aggregate classification (germline): Uncertain significance. Review status: criteria provided, multiple submitters, no conflicts (2 of 4 stars). 2 submissions from 2 submitters: Uncertain significance (2). Last evaluated 2024-05-08.

Conditions:
Wilson disease (WND). Also called: Wilson's disease. Identifiers: Orphanet 905, MedGen C0019202, MONDO:0010200, OMIM 277900. Disease mechanism: loss of function.

gnomAD v4.1: 23 of 1,613,928 alleles (0.0014%); highest among the groups gnomAD compares: East Asian, 0.051%; no homozygotes.

Submissions (2):

ARUP Laboratories, Molecular Genetics and Genomics, ARUP Laboratories
Classification: Uncertain significance for Wilson disease. Last evaluated: 2024-05-08. Review status: criteria provided, single submitter. Criteria: ARUP Molecular Germline Variant Investigation Process 2024. Collection method: clinical testing. Allele origin: germline.
Comment: The ATP7B c.-36C>T variant (rs762339422) is reported in the literature as a homozygote in an individual affected with Wilson disease (Wu 2021). This variant is found in the East Asian population with an allele frequency of 0.11% (22/19532 alleles) in the Genome Aggregation Database (v2.1.1). This variant occurs in the 5' untranslated region at a nucleotide that is weakly conserved and does not create a novel protein translation start codon. However, given the lack of clinical and functional data, the significance of this variant is uncertain at this time. References: Wu ZY et al. Mutation analysis and the correlation between genotype and phenotype of Arg778Leu mutation in chinese patients with Wilson disease. Arch Neurol. 2001 Jun;58(6):971-6. PMID: 11405812.

Fulgent Genetics
Classification: Uncertain significance for Wilson disease. Last evaluated: 2024-01-16. Review status: criteria provided, single submitter. Criteria: ACMG Guidelines, 2015. Collection method: clinical testing. Allele origin: germline.